The following is an entry in ClinVar:

NM_005751.5(AKAP9):c.7171G>A (p.Val2391Ile)

Gene: AKAP9 (A-kinase anchoring protein 9; plus strand). Cytogenetic location: 7q21.2.
Variant type: single nucleotide variant.
Coding change: c.7171G>A on transcript NM_005751.5 (MANE Select); coding-DNA position 7171, G replaced by A.
Protein change: p.Val2391Ile; replaces valine 2391 with isoleucine.
Molecular consequence: missense variant.
Genome position (GRCh38, 1-based): chr7:92,079,304, G>A. VCF-style: chr7-92079304-G-A. GRCh37 (hg19) VCF-style: chr7-91708618-G-A.
Other names: c.1816G>A, p.Val606Ile (NM_001379277.1); c.7147G>A, p.Val2383Ile (NM_147185.3); short protein forms V2391I, V2383I, V606I.
Identifiers: ClinVar variation 4265190 (VCV004265190.1).

ClinVar aggregate classification (germline): Uncertain significance (1 of 4 stars; one submission).

Conditions:
Cardiovascular phenotype. Identifiers: MedGen CN230736.

gnomAD v4.1: 2 of 1,613,952 alleles (0.00012%); highest among the groups gnomAD compares: African/African-American, 0.0013%; no homozygotes.

Submission:

Ambry Genetics
Classification: Uncertain significance for Cardiovascular phenotype. Last evaluated: 2025-07-30. Review status: criteria provided, single submitter. Criteria: Ambry Variant Classification Scheme 2023. Collection method: clinical testing. Allele origin: germline.
Comment: The p.V2391I variant (also known as c.7171G>A), located in coding exon 31 of the AKAP9 gene, results from a G to A substitution at nucleotide position 7171. The valine at codon 2391 is replaced by isoleucine, an amino acid with highly similar properties. This amino acid position is conserved. In addition, this alteration is predicted to be tolerated by in silico analysis. Based on the available evidence, the clinical significance of this variant remains unclear.